The following is an entry in ClinVar:

NM_001256071.3(RNF213):c.2735G>T (p.Arg912Met)

Gene: RNF213 (ring finger protein 213; plus strand). Cytogenetic location: 17q25.3.
Variant type: single nucleotide variant.
Coding change: c.2735G>T on transcript NM_001256071.3 (MANE Select); coding-DNA position 2735, G replaced by T.
Protein change: p.Arg912Met; replaces arginine 912 with methionine.
Molecular consequence: missense variant.
Genome position (GRCh38, 1-based): chr17:80,313,091, G>T. VCF-style: chr17-80313091-G-T. GRCh37 (hg19) VCF-style: chr17-78286891-G-T.
Other names: c.2882G>T, p.Arg961Met (NM_001410195.1, NM_020914.5); c.2735G>T, p.Arg912Met (NM_020954.4); short protein forms R912M, R961M.
Identifiers: ClinVar variation 4282133 (VCV004282133.1).

ClinVar aggregate classification (germline): Uncertain significance (1 of 4 stars; one submission).

gnomAD v4.1: 2 of 1,613,864 alleles (0.00012%); highest among the groups gnomAD compares: East Asian, 0.0045%; no homozygotes.

Submission:

GeneDx
Classification: Uncertain significance. Last evaluated: 2025-04-11. Review status: criteria provided, single submitter. Criteria: GeneDx Variant Classification Process June 2021. Collection method: clinical testing. Allele origin: germline. Affected: yes.
Comment: Not observed at significant frequency in large population cohorts (gnomAD); In silico analysis indicates that this missense variant does not alter protein structure/function; Has not been previously published as pathogenic or benign to our knowledge